The following is an entry in ClinVar:

ClinVar aggregate classification (germline): Conflicting classifications of pathogenicity. Review status: criteria provided, conflicting classifications (1 of 4 stars). 6 submissions from 6 submitters: Likely pathogenic (3); Uncertain significance (3). Last evaluated 2025-02-16.

Conditions:
Neurodevelopmental disorder with or without hyperkinetic movements and seizures, autosomal dominant. Also called: Intellectual disability, autosomal dominant 8. Identifiers: MedGen C3280282, MONDO:0013655, OMIM 614254.
Inborn genetic diseases. Identifiers: MedGen C0950123, MeSH D030342.

Submissions (6):

Laboratory of Genetics, Children's Clinical University Hospital Latvia
Classification: Likely pathogenic. Last evaluated: 2025-02-16. Review status: criteria provided, single submitter. Criteria: ACMG Guidelines, 2015. Collection method: clinical testing. Allele origin: germline. Affected: yes.

Labcorp Genetics (formerly Invitae), Labcorp
Classification: Uncertain significance for Neurodevelopmental disorder with or without hyperkinetic movements and seizures, autosomal dominant. Last evaluated: 2022-07-12. Review status: criteria provided, single submitter. Criteria: Invitae Variant Classification Sherloc (09022015). Collection method: clinical testing. Allele origin: germline.
Comment: In summary, the available evidence is currently insufficient to determine the role of this variant in disease. Therefore, it has been classified as a Variant of Uncertain Significance. Advanced modeling of protein sequence and biophysical properties (such as structural, functional, and spatial information, amino acid conservation, physicochemical variation, residue mobility, and thermodynamic stability) performed at Invitae indicates that this missense variant is expected to disrupt GRIN1 protein function. ClinVar contains an entry for this variant (Variation ID: 813929). This variant has not been reported in the literature in individuals affected with GRIN1-related conditions. This variant is not present in population databases (gnomAD no frequency). This sequence change replaces proline, which is neutral and non-polar, with leucine, which is neutral and non-polar, at codon 660 of the GRIN1 protein (p.Pro660Leu).

Mendelics
Classification: Uncertain significance. Last evaluated: 2022-05-04. Review status: criteria provided, single submitter. Criteria: Mendelics Assertion Criteria 2019. Collection method: clinical testing. Allele origin: germline.

Institute of Medical Genetics and Applied Genomics, University Hospital Tübingen
Classification: Likely pathogenic. Last evaluated: 2020-10-23. Review status: criteria provided, single submitter. Criteria: ACMG Guidelines, 2015. Collection method: clinical testing. Allele origin: germline. Inheritance: Autosomal dominant inheritance. Affected: yes.

Broad Center for Mendelian Genomics, Broad Institute of MIT and Harvard
Classification: Uncertain significance for Neurodevelopmental disorder with or without hyperkinetic movements and seizures, autosomal dominant. Last evaluated: 2018-12-03. Review status: criteria provided, single submitter. Criteria: ACMG Guidelines, 2015. Collection method: research. Allele origin: germline. Inheritance: Autosomal dominant inheritance. Affected: yes.
Comment: This variant was absent from large population studies. Computational prediction tools and conservation analyses do not provide strong support for or against an impact to the protein. The GRIN1 gene has a low rate of benign missense variation, raising the possibility that a missense variant would not be tolerated in this gene. In summary, the clinical significance of this variant is uncertain. ACMG/AMP Criteria applied: PM2, PP2 (Richards 2015).

Ambry Genetics
Classification: Likely pathogenic for Inborn genetic diseases. Last evaluated: 2018-06-21. Review status: criteria provided, single submitter. Criteria: Ambry exome assertion method (8-5-2015). Collection method: clinical testing. Allele origin: germline. Affected: yes. Observed: 1 variant allele.

Literature cited by the submitters: PubMed 10197535 (cited by Ambry Genetics); PubMed 12451122 (cited by Ambry Genetics); PubMed 25008524 (cited by Ambry Genetics).

NM_007327.4(GRIN1):c.1979C>T (p.Pro660Leu)

Gene: GRIN1 (glutamate ionotropic receptor NMDA type subunit 1; plus strand). Cytogenetic location: 9q34.3.
Variant type: single nucleotide variant.
Coding change: c.1979C>T on transcript NM_007327.4 (MANE Select); coding-DNA position 1979, C replaced by T.
Protein change: p.Pro660Leu; replaces proline 660 with leucine.
Molecular consequence: missense variant.
Genome position (GRCh38, 1-based): chr9:137,162,705, C>T. VCF-style: chr9-137162705-C-T. GRCh37 (hg19) VCF-style: chr9-140057157-C-T.
Other names: c.1979C>T, p.Pro660Leu (NM_000832.7, NM_021569.4); c.2042C>T, p.Pro681Leu (NM_001185090.2, NM_001185091.2); short protein forms P681L, P660L.
Identifiers: ClinVar variation 813929 (VCV000813929.15), dbSNP rs1328780843, ClinGen allele CA375721205.
Genomic context (GRCh38, chr9:137,162,705, plus strand): 5'-CCATGATCATCGTGGCCTCCTACACCGCCAACCTGGCGGCCTTCCTGGTGCTGGACCGGC[C>T]GGAGGAGCGCATCACGGGCATCAACGACCCTCGGGTGAGGCCTGGCCGGGCTGGGGGAGG-3'
Protein context (NP_015566.1, residues 650-670): NLAAFLVLDR[Pro660Leu]EERITGINDP